The following is an entry in ClinVar:

NM_014363.6(SACS):c.1683G>A (p.Val561=)

Gene: SACS (sacsin molecular chaperone; minus strand). Cytogenetic location: 13q12.12.
Variant type: single nucleotide variant.
Coding change: c.1683G>A on transcript NM_014363.6 (MANE Select); coding-DNA position 1683, G replaced by A.
Protein change: p.Val561=; no amino-acid change (valine 561 retained).
Molecular consequence: synonymous variant.
Genome position (GRCh38, 1-based): chr13:23,354,929, C>T on the plus strand (G>A on the coding strand, the complement: SACS is on the minus strand). VCF-style: chr13-23354929-C-T. GRCh37 (hg19) VCF-style: chr13-23929068-C-T.
Other names: p.Val561=; c.1242G>A, p.Val414= (NM_001278055.2).
Identifiers: ClinVar variation 752342 (VCV000752342.13), dbSNP rs1485932032, ClinGen allele CA483164633.

ClinVar aggregate classification (germline): Likely benign. Review status: criteria provided, multiple submitters, no conflicts (2 of 4 stars). 4 submissions from 4 submitters: Likely benign (3). 1 of the submissions does not count toward it. Last evaluated 2026-08-25.

Conditions:
SACS-related disorder. Also called: SACS-related condition.
Charlevoix-Saguenay spastic ataxia (SACS). Also called: SPASTIC ATAXIA 6, AUTOSOMAL RECESSIVE; AUTOSOMAL RECESSIVE SPASTIC ATAXIA OF CHARLEVOIX-SAGUENAY; Spastic ataxia of Charlevoix-Saguenay. Identifiers: Orphanet 98, MedGen C1849140, MONDO:0010041, OMIM 270550.
Spastic paraplegia. Identifiers: MedGen C0037772, HP:0001258.

Allele frequency attached by ClinVar (database versions not stated): gnomAD exomes below 0.00001; gnomAD 0.00001; TOPMed 0.00002.
gnomAD v4.1: 9 of 1,614,116 alleles (0.00056%); highest among the groups gnomAD compares: Non-Finnish European, 0.00076%; no homozygotes.

Submissions (4):

PreventionGenetics, part of Exact Sciences
Classification: Likely benign for SACS-related condition. Last evaluated: 2026-08-25. Review status: criteria provided, single submitter. Criteria: ACMG Guidelines, 2015. Collection method: clinical testing. Allele origin: germline.
Comment: This variant is classified as likely benign based on ACMG/AMP sequence variant interpretation guidelines (Richards et al. 2015 PMID: 25741868, with internal and published modifications).

Mayo Clinic Laboratories, Mayo Clinic
Classification: Likely benign. Last evaluated: 2024-11-19. Review status: criteria provided, single submitter. Criteria: ACMG Guidelines, 2015. Collection method: clinical testing. Allele origin: germline. Observed: 1 variant allele.
Comment: BP4, BP7

Labcorp Genetics (formerly Invitae), Labcorp
Classification: Likely benign for Spastic paraplegia. Last evaluated: 2024-09-29. Review status: criteria provided, single submitter. Criteria: Invitae Variant Classification Sherloc (09022015). Collection method: clinical testing. Allele origin: germline.

Natera, Inc.
Classification: Likely benign for Charlevoix-Saguenay type spastic ataxia. Last evaluated: 2020-10-12. Review status: no assertion criteria provided. Collection method: clinical testing. Allele origin: germline. Not counted in ClinVar's aggregate classification.